The following is an entry in ClinVar:

NM_001370259.2(MEN1):c.1050-19G>C

Gene: MEN1 (menin 1; minus strand). Cytogenetic location: 11q13.1.
Variant type: single nucleotide variant.
Coding change: c.1050-19G>C on transcript NM_001370259.2 (MANE Select); 19 bases into the intron before coding-DNA position 1050, G replaced by C.
Molecular consequence: intron variant.
Genome position (GRCh38, 1-based): chr11:64,805,789, C>G on the plus strand (G>C on the coding strand, the complement: MEN1 is on the minus strand). VCF-style: chr11-64805789-C-G. GRCh37 (hg19) VCF-style: chr11-64573261-C-G.
Other names: c.1065-19G>C (NM_130804.3, NM_130803.3, NM_000244.4 and 3 more transcripts); c.1050-19G>C (NM_130799.3, NM_001370260.2, NM_001370261.2); c.1176-19G>C (NM_001370251.2); c.945-19G>C (NM_001370263.2, NM_001370262.2).
Identifiers: ClinVar variation 1659152 (VCV001659152.10), dbSNP rs1322811280, ClinGen allele CA599656473.

ClinVar aggregate classification (germline): Likely benign. Review status: criteria provided, multiple submitters, no conflicts (2 of 4 stars). 3 submissions from 3 submitters: Likely benign (3). Last evaluated 2025-12-28.

Conditions:
Multiple endocrine neoplasia, type 1 (MEN1). Also called: MEN I; WERMER SYNDROME; Endocrine adenomatosis multiple; MEN 1; MEA I. Identifiers: Orphanet 652, MedGen C0025267, MeSH D018761, MONDO:0007540, OMIM 131100.

Allele frequency attached by ClinVar (database versions not stated): gnomAD exomes 0.00001; TOPMed 0.00001.

Submissions (3):

Labcorp Genetics (formerly Invitae), Labcorp
Classification: Likely benign for Multiple endocrine neoplasia, type 1. Last evaluated: 2025-12-28. Review status: criteria provided, single submitter. Criteria: Invitae Variant Classification Sherloc (09022015). Collection method: clinical testing. Allele origin: germline.

Myriad Genetics, Inc.
Classification: Likely benign for Multiple endocrine neoplasia, type 1. Last evaluated: 2024-11-04. Review status: criteria provided, single submitter. Criteria: Myriad Autosomal Dominant, Autosomal Recessive and X-Linked Classification Criteria (2023). Collection method: clinical testing. Allele origin: unknown.
Comment: This variant is considered likely benign. This variant is intronic and is not expected to impact mRNA splicing.

Blueprint Genetics
Classification: Likely benign. Last evaluated: 2022-12-23. Review status: criteria provided, single submitter. Criteria: ACMG Guidelines, 2015. Collection method: clinical testing. Allele origin: germline.